The following is an entry in ClinVar:

ClinVar aggregate classification (germline): Benign. Review status: criteria provided, single submitter (1 of 4 stars). 2 submissions from 2 submitters: Benign (1). 1 of the submissions does not count toward it. Last evaluated 2021-08-19.

Conditions:
IQCE-related disorder. Also called: IQCE-related condition.
Polydactyly, postaxial, type a7. Identifiers: MedGen C4539976, MONDO:0060550, OMIM 617642.

Allele frequency attached by ClinVar (database versions not stated): 1000 Genomes Project 30x 0.16989; gnomAD 0.30662 and 0.31266; 1000 Genomes Project 0.31929; gnomAD exomes 0.37250 and 0.41055; ExAC 0.38083; TOPMed 0.38714; ESP Exome Variant Server 0.40599.
gnomAD v4.1: 544,533 of 1,356,174 alleles (40%); highest among the groups gnomAD compares: Non-Finnish European, 43%; 116,563 homozygotes.

Submissions (2):

Genome-Nilou Lab
Classification: Benign for Polydactyly, postaxial, type a7. Last evaluated: 2021-08-19. Review status: criteria provided, single submitter. Criteria: ACMG Guidelines, 2015. Collection method: clinical testing. Allele origin: germline. Affected: no.

PreventionGenetics, part of Exact Sciences
Classification: Benign for IQCE-related condition. Last evaluated: 2019-10-17. Review status: no assertion criteria provided. Collection method: clinical testing. Allele origin: germline. Not counted in ClinVar's aggregate classification.
Comment: This variant is classified as benign based on ACMG/AMP sequence variant interpretation guidelines (Richards et al. 2015 PMID: 25741868, with internal and published modifications).

NM_152558.5(IQCE):c.774+8G>A

Gene: IQCE (IQ motif containing E; plus strand). Cytogenetic location: 7p22.3.
Variant type: single nucleotide variant.
Coding change: c.774+8G>A on transcript NM_152558.5 (MANE Select); 8 bases into the intron after coding-DNA position 774, G replaced by A.
Molecular consequence: intron variant.
Genome position (GRCh38, 1-based): chr7:2,583,717, G>A. VCF-style: chr7-2583717-G-A. GRCh37 (hg19) VCF-style: chr7-2623351-G-A.
Other names: c.579+8G>A (NM_001287501.2, NM_001287502.2); c.774+8G>A (NM_001287499.2, NM_152558.4); c.726+8G>A (NM_001287500.2).
Identifiers: ClinVar variation 1300119 (VCV001300119.4), dbSNP rs13242369, ClinGen allele CA4128837.